The following is an entry in ClinVar:

ClinVar aggregate classification (germline): Uncertain significance. Review status: criteria provided, multiple submitters, no conflicts (2 of 4 stars). 3 submissions from 3 submitters: Uncertain significance (3). Last evaluated 2026-01-25.

Conditions:
Hereditary cancer-predisposing syndrome. Also called: Tumor predisposition; Hereditary neoplastic syndrome; Hereditary Cancer Syndrome; Neoplastic Syndromes, Hereditary. Identifiers: Orphanet 140162, MedGen C0027672, MeSH D009386, MONDO:0015356.
Hereditary nonpolyposis colorectal neoplasms. Identifiers: MedGen C0009405, MeSH D003123.

gnomAD v4.1: 1 of 1,609,568 alleles (0.000062%); highest among the groups gnomAD compares: Non-Finnish European, 0.000085%; no homozygotes.

Submissions (3):

Labcorp Genetics (formerly Invitae), Labcorp
Classification: Uncertain significance for Hereditary nonpolyposis colorectal neoplasms. Last evaluated: 2026-01-25. Review status: criteria provided, single submitter. Criteria: Invitae Variant Classification Sherloc (09022015). Collection method: clinical testing. Allele origin: germline.
Comment: This sequence change replaces valine, which is neutral and non-polar, with leucine, which is neutral and non-polar, at codon 210 of the MSH6 protein (p.Val210Leu). This variant is not present in population databases (gnomAD no frequency). This missense change has been observed in individual(s) with colorectal cancer (PMID: 28135145). ClinVar contains an entry for this variant (Variation ID: 937289). An algorithm developed to predict the effect of missense changes on protein structure and function (PolyPhen-2) suggests that this variant is likely to be tolerated. In summary, the available evidence is currently insufficient to determine the role of this variant in disease. Therefore, it has been classified as a Variant of Uncertain Significance.

Ambry Genetics
Classification: Uncertain significance for Hereditary cancer-predisposing syndrome. Last evaluated: 2025-01-14. Review status: criteria provided, single submitter. Criteria: Ambry Variant Classification Scheme 2023. Collection method: clinical testing. Allele origin: germline.
Comment: The p.V210L variant (also known as c.628G>T) is located in coding exon 4 of the MSH6 gene. The valine at codon 210 is replaced by leucine, an amino acid with highly similar properties. This change occurs in the first base pair of coding exon 4. This variant has been reported in an individual affected with colorectal cancer (Yurgelun MB et al. J Clin Oncol, 2017 Apr;35:1086-1095). This variant was also reported in 1/60,466 breast cancer cases and in 0/53,461 controls (Dorling et al. N Engl J Med. 2021 02;384:428-439). This amino acid position is not well conserved in available vertebrate species. In addition, this alteration is predicted to be tolerated by in silico analysis. Since supporting evidence is limited at this time, the clinical significance of this alteration remains unclear.

GeneDx
Classification: Uncertain significance. Last evaluated: 2022-11-17. Review status: criteria provided, single submitter. Criteria: GeneDx Variant Classification Process June 2021. Collection method: clinical testing. Allele origin: germline. Affected: yes.
Comment: Not observed at significant frequency in large population cohorts (gnomAD); In silico analysis supports that this missense variant does not alter protein structure/function; Observed in an individual with colorectal cancer (Yurgelun et al., 2017); This variant is associated with the following publications: (PMID: 28135145)

Literature cited by the submitters: PubMed 28135145 (cited by Labcorp Genetics (formerly Invitae), Labcorp and Ambry Genetics); PubMed 33471991 (cited by Ambry Genetics).

NM_000179.3(MSH6):c.628G>T (p.Val210Leu)

Gene: MSH6 (mutS homolog 6; plus strand). Cytogenetic location: 2p16.3.
Variant type: single nucleotide variant.
Coding change: c.628G>T on transcript NM_000179.3 (MANE Select); coding-DNA position 628, G replaced by T.
Protein change: p.Val210Leu; replaces valine 210 with leucine.
Molecular consequence: missense variant. On other transcripts: 5 prime UTR variant (1), intron variant (1).
Genome position (GRCh38, 1-based): chr2:47,798,611, G>T. VCF-style: chr2-47798611-G-T. GRCh37 (hg19) VCF-style: chr2-48025750-G-T.
Other names: c.238G>T, p.Val80Leu (NM_001281492.2); c.-279G>T (NM_001281493.2); c.-275-4G>T (NM_001281494.2); short protein forms V210L, V80L.
Identifiers: ClinVar variation 937289 (VCV000937289.12), dbSNP rs936063254, ClinGen allele CA346739204.
Genomic context (GRCh38, chr2:47,798,611, plus strand): 5'-CTTACATTATGGTTTTCCAAATTTTGATTTGTTTTTAAATACTCTTTCCTTGCCTGGCAG[G>T]TAGGCACAACTTACGTAACAGATAAGAGTGAAGAAGATAATGAAATTGAGAGTGAAGAGG-3'
Protein context (NP_000170.1, residues 200-220): SEPEEEEEME[Val210Leu]GTTYVTDKSE